The following is an entry in ClinVar:

NM_005060.4(RORC):c.682C>T (p.Arg228Ter)

Gene: RORC (RAR related orphan receptor C; minus strand). Cytogenetic location: 1q21.3.
Variant type: single nucleotide variant.
Coding change: c.682C>T on transcript NM_005060.4 (MANE Select); coding-DNA position 682, C replaced by T.
Protein change: p.Arg228Ter; replaces arginine 228 with a stop codon.
Molecular consequence: nonsense.
Genome position (GRCh38, 1-based): chr1:151,815,042, G>A on the plus strand (C>T on the coding strand, the complement: RORC is on the minus strand). VCF-style: chr1-151815042-G-A. GRCh37 (hg19) VCF-style: chr1-151787518-G-A.
Other names: c.619C>T, p.Arg207Ter (NM_001001523.2); short protein forms R228*, R207*.
Identifiers: ClinVar variation 2860649 (VCV002860649.3), dbSNP rs1651702189, ClinGen allele CA342015929.

ClinVar aggregate classification (germline): Pathogenic (1 of 4 stars; one submission).

Conditions:
Autosomal recessive mendelian susceptibility to mycobacterial diseases due to complete RORgamma receptor deficiency. Also called: Immunodeficiency 42. Identifiers: Orphanet 477857, MedGen C5567647, MONDO:0014710, OMIM 616622.

Submission:

Labcorp Genetics (formerly Invitae), Labcorp
Classification: Pathogenic for Autosomal recessive mendelian susceptibility to mycobacterial diseases due to complete RORgamma receptor deficiency. Last evaluated: 2023-04-29. Review status: criteria provided, single submitter. Criteria: Invitae Variant Classification Sherloc (09022015). Collection method: clinical testing. Allele origin: germline.
Comment: For these reasons, this variant has been classified as Pathogenic. Algorithms developed to predict the effect of sequence changes on RNA splicing suggest that this variant may create or strengthen a splice site. This variant has not been reported in the literature in individuals affected with RORC-related conditions. This variant is not present in population databases (gnomAD no frequency). This sequence change creates a premature translational stop signal (p.Arg228*) in the RORC gene. It is expected to result in an absent or disrupted protein product. Loss-of-function variants in RORC are known to be pathogenic (PMID: 26160376).

Literature cited by the submitters: PubMed 26160376.